The following is an entry in ClinVar:

ClinVar aggregate classification (germline): Pathogenic/Likely pathogenic. Review status: criteria provided, multiple submitters, no conflicts (2 of 4 stars). 2 submissions from 2 submitters: Pathogenic (1); Likely pathogenic (1). Last evaluated 2025-10-08.

Conditions:
Urogenital tract malformation. Also called: Abnormality of the genitourinary system. Identifiers: Orphanet 83001, MedGen C0042063, MONDO:0019356, HP:0000119.

gnomAD v4.1: 5 of 1,603,762 alleles (0.00031%); highest among the groups gnomAD compares: Admixed American, 0.0034%; no homozygotes.

Submissions (2):

Labcorp Genetics (formerly Invitae), Labcorp
Classification: Pathogenic. Last evaluated: 2025-10-08. Review status: criteria provided, single submitter. Criteria: Invitae Variant Classification Sherloc (09022015). Collection method: clinical testing. Allele origin: germline.
Comment: This sequence change creates a premature translational stop signal (p.Tyr323*) in the KISS1R gene. While this is not anticipated to result in nonsense mediated decay, it is expected to disrupt the last 76 amino acid(s) of the KISS1R protein. This variant is not present in population databases (gnomAD no frequency). This premature translational stop signal has been observed in individuals with normosmic idiopathic hypogonadotropic hypogonadism (PMID: 25262569). It has also been observed to segregate with disease in related individuals. ClinVar contains an entry for this variant (Variation ID: 1180850). For these reasons, this variant has been classified as Pathogenic.

Kariminejad - Najmabadi Pathology & Genetics Center
Classification: Likely pathogenic for Urogenital tract malformation. Last evaluated: 2021-07-10. Review status: criteria provided, single submitter. Criteria: ACMG Guidelines, 2015. Collection method: clinical testing. Allele origin: germline. Affected: yes.

Literature cited by the submitters: PubMed 25262569 (cited by Labcorp Genetics (formerly Invitae), Labcorp).

NM_032551.5(KISS1R):c.969C>A (p.Tyr323Ter)

Gene: KISS1R (KISS1 receptor; plus strand). Cytogenetic location: 19p13.3.
Variant type: single nucleotide variant.
Coding change: c.969C>A on transcript NM_032551.5 (MANE Select); coding-DNA position 969, C replaced by A.
Protein change: p.Tyr323Ter; replaces tyrosine 323 with a stop codon.
Molecular consequence: nonsense.
Genome position (GRCh38, 1-based): chr19:920,520, C>A. VCF-style: chr19-920520-C-A. GRCh37 (hg19) VCF-style: chr19-920520-C-A.
Other names: short protein forms Y323*.
Identifiers: ClinVar variation 1180850 (VCV001180850.3), dbSNP rs775830195, ClinGen allele CA402917455.
Genomic context (GRCh38, chr19:920,520, plus strand): 5'-GCTTAAGACCTGGGCTCACTGCATGTCCTACAGCAACTCCGCGCTGAACCCGCTGCTCTA[C>A]GCCTTCCTGGGCTCGCACTTCCGACAGGCCTTCCGCCGCGTCTGCCCCTGCGCGCCGCGC-3'